The following is an entry in ClinVar:

ClinVar aggregate classification (germline): Uncertain significance. Review status: criteria provided, multiple submitters, no conflicts (2 of 4 stars). 2 submissions from 2 submitters: Uncertain significance (2). Last evaluated 2025-11-02.

Conditions:
Congenital sensory neuropathy with selective loss of small myelinated fibers (HSAN5). Also called: HSAN Type V. Identifiers: Orphanet 64752, MedGen C0020075, MONDO:0012092, OMIM 608654.
Inborn genetic diseases. Identifiers: MedGen C0950123, MeSH D030342.

Allele frequency attached by ClinVar (database versions not stated): ExAC 0.00002; gnomAD exomes 0.00002; gnomAD 0.00006 and 0.00007; ESP Exome Variant Server 0.00008; TOPMed 0.00009.
gnomAD v4.1: 20 of 1,614,118 alleles (0.0012%); highest among the groups gnomAD compares: African/African-American, 0.025%; no homozygotes.

Submissions (2):

Ambry Genetics
Classification: Uncertain significance for Inborn genetic diseases. Last evaluated: 2025-11-02. Review status: criteria provided, single submitter. Criteria: Ambry Variant Classification Scheme 2023. Collection method: clinical testing. Allele origin: germline.

Labcorp Genetics (formerly Invitae), Labcorp
Classification: Uncertain significance for Congenital sensory neuropathy with selective loss of small myelinated fibers. Last evaluated: 2021-09-01. Review status: criteria provided, single submitter. Criteria: Invitae Variant Classification Sherloc (09022015). Collection method: clinical testing. Allele origin: germline.
Comment: This sequence change replaces arginine with cysteine at codon 49 of the NGF protein (p.Arg49Cys). The arginine residue is moderately conserved and there is a large physicochemical difference between arginine and cysteine. This variant is present in population databases (rs146716262, ExAC 0.02%). This variant has not been reported in the literature in individuals affected with NGF-related conditions. Algorithms developed to predict the effect of missense changes on protein structure and function are either unavailable or do not agree on the potential impact of this missense change (SIFT: "Deleterious"; PolyPhen-2: "Possibly Damaging"; Align-GVGD: "Class C0"). In summary, the available evidence is currently insufficient to determine the role of this variant in disease. Therefore, it has been classified as a Variant of Uncertain Significance.

NM_002506.3(NGF):c.145C>T (p.Arg49Cys)

Genes: NGF (nerve growth factor; minus strand), NGF-AS1 (NGF antisense RNA 1; plus strand). Cytogenetic location: 1p13.2.
Variant type: single nucleotide variant.
Coding change: c.145C>T on transcript NM_002506.3 (MANE Select); coding-DNA position 145, C replaced by T.
Protein change: p.Arg49Cys; replaces arginine 49 with cysteine.
Molecular consequence: missense variant.
Genome position (GRCh38, 1-based): chr1:115,286,651, G>A on the plus strand (C>T on the coding strand, the complement: NGF is on the minus strand). VCF-style: chr1-115286651-G-A. GRCh37 (hg19) VCF-style: chr1-115829272-G-A.
Other names: short protein forms R49C.
Identifiers: ClinVar variation 662355 (VCV000662355.7), dbSNP rs146716262, ClinGen allele CA1023060.